The following is an entry in ClinVar:

NM_001267550.2(TTN):c.82657G>T (p.Gly27553Ter)

Genes: TTN (titin; minus strand), TTN-AS1 (TTN antisense RNA 1; plus strand). Cytogenetic location: 2q31.2.
Variant type: single nucleotide variant.
Coding change: c.82657G>T on transcript NM_001267550.2 (MANE Select); coding-DNA position 82657, G replaced by T.
Protein change: p.Gly27553Ter; replaces glycine 27553 with a stop codon.
Molecular consequence: nonsense.
Genome position (GRCh38, 1-based): chr2:178,563,475, C>A on the plus strand (G>T on the coding strand, the complement: TTN is on the minus strand). VCF-style: chr2-178563475-C-A. GRCh37 (hg19) VCF-style: chr2-179428202-C-A.
Other names: c.77734G>T, p.Gly25912Ter (NM_001256850.1); c.55462G>T, p.Gly18488Ter (NM_003319.4); c.74953G>T, p.Gly24985Ter (NM_133378.4); c.55837G>T, p.Gly18613Ter (NM_133432.3); c.56038G>T, p.Gly18680Ter (NM_133437.4); short protein forms G25912*, G27553*, G24985*, G18488*, G18613*, G18680*.
Identifiers: ClinVar variation 488810 (VCV000488810.20), dbSNP rs869178171, ClinGen allele CA60986821.

ClinVar aggregate classification (germline): Pathogenic/Likely pathogenic. Review status: criteria provided, multiple submitters, no conflicts (2 of 4 stars). 7 submissions from 7 submitters: Pathogenic (5); Likely pathogenic (2). Last evaluated 2025-03-26.

Conditions:
TTN-related disorder. Also called: TTN-related disorders; TTN-related condition; TTN-related disease.
Dilated cardiomyopathy 1G (CMD1G). Identifiers: Orphanet 154, MedGen C1858763, MONDO:0011400, OMIM 604145.
Autosomal recessive limb-girdle muscular dystrophy type 2J (LGMDR10). Also called: Limb-girdle muscular dystrophy, type 2J; MUSCULAR DYSTROPHY, LIMB-GIRDLE, AUTOSOMAL RECESSIVE 10. Identifiers: Orphanet 140922, MedGen C1837342, MONDO:0012127, OMIM 608807.
Myopathy, myofibrillar, 9, with early respiratory failure (MFM9). Also called: Hereditary myopathy with early respiratory failure; Myopathy, distal, with early respiratory failure, autosomal dominant; MYOPATHY, PROXIMAL, WITH EARLY RESPIRATORY MUSCLE INVOLVEMENT; EDSTROM MYOPATHY. Identifiers: Orphanet 178464, Orphanet 34521, MedGen C1863599, MONDO:0011362, OMIM 603689.
Early-onset myopathy with fatal cardiomyopathy (CMYO5). Also called: Salih Myopathy; CONGENITAL MYOPATHY 5 WITH CARDIOMYOPATHY. Identifiers: Orphanet 289377, MedGen C2673677, MONDO:0012714, OMIM 611705. Disease mechanism: loss of function.
Hypertrophic cardiomyopathy 9. Also called: Familial hypertrophic cardiomyopathy 9. Identifiers: MedGen C1861065, MONDO:0013412, OMIM 613765.
Tibial muscular dystrophy (TMD). Also called: Udd Distal Myopathy – Tibial Muscular Dystrophy; UDD MYOPATHY; Tibial muscular dystrophy, tardive. Identifiers: Orphanet 609, MedGen C1838244, MONDO:0010870, OMIM 600334.
Cardiomyopathy (CMYO). Also called: Cardiomyopathies. Identifiers: Orphanet 167848, MedGen C0878544, MONDO:0004994, HP:0001638. Inheritance: Various modes of inheritance.
Cardiovascular phenotype. Identifiers: MedGen CN230736.

Submissions (7):

Labcorp Genetics (formerly Invitae), Labcorp
Classification: Likely pathogenic for Dilated cardiomyopathy 1G; Autosomal recessive limb-girdle muscular dystrophy type 2J. Last evaluated: 2025-03-26. Review status: criteria provided, single submitter. Criteria: Invitae Variant Classification Sherloc (09022015). Collection method: clinical testing. Allele origin: germline.
Comment: This sequence change creates a premature translational stop signal (p.Gly27553*) in the TTN gene. While this is not anticipated to result in nonsense mediated decay, it is expected to create a truncated TTN protein. This variant is not present in population databases (gnomAD no frequency). This premature translational stop signal has been observed in individual(s) with dilated cardiomyopathy (PMID: 25448463). This variant is also known as NM_003319.4:c.55462G>T (p.Gly18488Stop). ClinVar contains an entry for this variant (Variation ID: 488810). This variant is located in the A band of TTN (PMID: 25589632). Truncating variants in this region are significantly overrepresented in patients affected with dilated cardiomyopathy (PMID: 25589632). Truncating variants in this region have also been reported in individuals affected with autosomal recessive centronuclear myopathy (PMID: 23975875). In summary, the currently available evidence indicates that the variant is pathogenic, but additional data are needed to prove that conclusively. Therefore, this variant has been classified as Likely Pathogenic.

Molecular Diagnostic Laboratory for Inherited Cardiovascular Disease, Montreal Heart Institute
Classification: Pathogenic for Cardiovascular phenotype. Last evaluated: 2024-08-13. Review status: criteria provided, single submitter. Criteria: ACMG Guidelines, 2015. Collection method: clinical testing. Allele origin: germline. Affected: yes.
Comment: PVS1, PS4_mod, PM2, PP1_mod

CHEO Genetics Diagnostic Laboratory, Children's Hospital of Eastern Ontario
Classification: Pathogenic for Cardiomyopathy. Last evaluated: 2023-06-15. Review status: criteria provided, single submitter. Criteria: ACMG Guidelines, 2015. Collection method: clinical testing. Allele origin: germline.

Ambry Genetics
Classification: Likely pathogenic for Cardiovascular phenotype. Last evaluated: 2023-03-10. Review status: criteria provided, single submitter. Criteria: Ambry Variant Classification Scheme 2023. Collection method: clinical testing. Allele origin: germline.
Comment: The p.G18488* variant (also known as c.55462G>T), located in coding exon 153 of the TTN gene, results from a G to T substitution at nucleotide position 55462. This changes the amino acid from a glycine to a stop codon within coding exon 153. This exon is located in the A-band region of the N2-B isoform of the titin protein and is constitutively expressed in TTN transcripts (percent spliced in or PSI 100%). This variant has been detected in a dilated cardiomyopathy cohort (Chami N et al. Can J Cardiol, 2014 Dec;30:1655-61). This variant is considered to be rare based on population cohorts in the Genome Aggregation Database (gnomAD). This alteration is expected to result in loss of function by premature protein truncation or nonsense-mediated mRNA decay. While truncating variants in TTN are present in 1-3% of the general population, truncating variants in the A-band are the most common cause of dilated cardiomyopathy (DCM) (Herman DS et al. N. Engl. J. Med., 2012 Feb;366:619-28; Roberts AM et al. Sci Transl Med, 2015 Jan;7:270ra6). TTN truncating variants encoded in constitutive exons (PSI >90%) have been found to be significantly associated with DCM regardless of their position in titin (Schafer S et al. Nat. Genet., 2017 01;49:46-53). Based on the majority of available evidence to date, this variant is likely to be pathogenic.

Blueprint Genetics
Classification: Pathogenic for TTN-related disorders. Last evaluated: 2022-10-31. Review status: criteria provided, single submitter. Criteria: ACMG Guidelines, 2015. Collection method: clinical testing. Allele origin: germline. Affected: yes. Observed: 1 variant allele.

Fulgent Genetics
Classification: Pathogenic for Tibial muscular dystrophy; Myopathy, myofibrillar, 9, with early respiratory failure; Dilated cardiomyopathy 1G; Autosomal recessive limb-girdle muscular dystrophy type 2J; Early-onset myopathy with fatal cardiomyopathy; Hypertrophic cardiomyopathy 9. Last evaluated: 2018-10-31. Review status: criteria provided, single submitter. Criteria: ACMG Guidelines, 2015. Collection method: clinical testing. Allele origin: unknown.

GeneDx
Classification: Pathogenic. Last evaluated: 2018-06-04. Review status: criteria provided, single submitter. Criteria: GeneDx Variant Classification (06012015). Collection method: clinical testing. Allele origin: germline. Affected: yes.
Comment: The G25912X pathogenic variant in the TTN gene, described as G18488X due to the use of an alternative transcript, has been previously reported in association with DCM (Chami et al., 2014). G25912X is predicted to cause loss of normal protein function either due to production of an abnormal, prematurely truncated protein, or by absence of protein product due to nonsense mediated mRNA decay. Although other truncating TTN variants have been reported in approximately 3% of control alleles (Herman et al., 2012), G25912X is located in the A-band region of titin, where the majority of truncating pathogenic variants associated with DCM have been reported (Herman et al., 2012). Furthermore, G25912X is not observed in large population cohorts (Lek et al., 2016).

Literature cited by the submitters: PubMed 25448463 (cited by Labcorp Genetics (formerly Invitae), Labcorp and Ambry Genetics); PubMed 25589632 (cited by Labcorp Genetics (formerly Invitae), Labcorp); PubMed 23975875 (cited by Labcorp Genetics (formerly Invitae), Labcorp).